The following is an entry in ClinVar:

NM_004974.4(KCNA2):c.1028C>T (p.Ser343Phe)

Gene: KCNA2 (potassium voltage-gated channel subfamily A member 2; minus strand). Cytogenetic location: 1p13.3.
Variant type: single nucleotide variant.
Coding change: c.1028C>T on transcript NM_004974.4 (MANE Select); coding-DNA position 1028, C replaced by T.
Protein change: p.Ser343Phe; replaces serine 343 with phenylalanine.
Molecular consequence: missense variant. On other transcripts: intron variant (1).
Genome position (GRCh38, 1-based): chr1:110,603,755, G>A on the plus strand (C>T on the coding strand, the complement: KCNA2 is on the minus strand). VCF-style: chr1-110603755-G-A. GRCh37 (hg19) VCF-style: chr1-111146377-G-A.
Other names: c.894+134C>T (NM_001204269.2); short protein forms S343F.
Identifiers: ClinVar variation 578773 (VCV000578773.9), dbSNP rs1557732150, ClinGen allele CA341602273.

ClinVar aggregate classification (germline): Uncertain significance (1 of 4 stars; one submission).

Conditions:
Developmental and epileptic encephalopathy, 32 (DEE32). Also called: Epileptic encephalopathy, early infantile, 32. Identifiers: Orphanet 442835, MedGen C4225350, MONDO:0014607, OMIM 616366.

Submission:

Labcorp Genetics (formerly Invitae), Labcorp
Classification: Uncertain significance for Developmental and epileptic encephalopathy, 32. Last evaluated: 2020-03-04. Review status: criteria provided, single submitter. Criteria: Invitae Variant Classification Sherloc (09022015). Collection method: clinical testing. Allele origin: germline.
Comment: Algorithms developed to predict the effect of missense changes on protein structure and function (SIFT, PolyPhen-2, Align-GVGD) all suggest that this variant is likely to be disruptive, but these predictions have not been confirmed by published functional studies and their clinical significance is uncertain. This variant has not been reported in the literature in individuals with KCNA2-related disease. This variant is not present in population databases (ExAC no frequency). This sequence change replaces serine with phenylalanine at codon 343 of the KCNA2 protein (p.Ser343Phe). The serine residue is highly conserved and there is a large physicochemical difference between serine and phenylalanine. In summary, the available evidence is currently insufficient to determine the role of this variant in disease. Therefore, it has been classified as a Variant of Uncertain Significance.